The following is an entry in ClinVar:

NM_001128425.2(MUTYH):c.-10G>A

Genes: MUTYH (mutY DNA glycosylase; minus strand), TOE1 (target of EGR1, exonuclease; plus strand). Cytogenetic location: 1p34.1.
Variant type: single nucleotide variant.
Coding change: c.-10G>A on transcript NM_001128425.2 (MANE Plus Clinical); 10 bases upstream of the start codon, G replaced by A.
Molecular consequence: 5 prime UTR variant. On other transcripts: non-coding transcript variant (3), synonymous variant (1).
Genome position (GRCh38, 1-based): chr1:45,340,264, C>T on the plus strand (G>A on the coding strand, the complement: MUTYH is on the minus strand). VCF-style: chr1-45340264-C-T. GRCh37 (hg19) VCF-style: chr1-45805936-C-T.
Other names: c.-10G>A (NM_012222.3, NM_001293190.2, NM_001407069.1 and 1 more transcripts); c.12C>T, p.Asp4= (NM_025077.4); c.-52G>A (NM_001048171.2); c.-264G>A (NM_001293192.2); c.-323G>A (NM_001350650.2); c.-259G>A (NM_001350651.2); c.-68G>A (NM_001407070.1, NM_001407071.1); c.-48G>A (NM_001407072.1).
Identifiers: ClinVar variation 3071871 (VCV003071871.2), dbSNP rs147318256, ClinGen allele CA21846907.

ClinVar aggregate classification (germline): Uncertain significance. Review status: criteria provided, multiple submitters, no conflicts (2 of 4 stars). 2 submissions from 2 submitters: Uncertain significance (2). Last evaluated 2024-12-04.

Conditions:
Familial adenomatous polyposis 2. Also called: FAP type 2; MUTYH-associated polyposis; MUTYH-related attenuated familial adenomatous polyposis; MUTYH Polyposis; Adenomas, multiple colorectal; COLORECTAL ADENOMATOUS POLYPOSIS, AUTOSOMAL RECESSIVE. Identifiers: Orphanet 220460, Orphanet 247798, MedGen C3272841, MONDO:0012041, OMIM 608456.

Allele frequency attached by ClinVar (database versions not stated): ESP Exome Variant Server 0.00008; TOPMed 0.00001.

Submissions (2):

Quest Diagnostics Nichols Institute San Juan Capistrano
Classification: Uncertain significance. Last evaluated: 2024-12-04. Review status: criteria provided, single submitter. Criteria: Quest Diagnostics criteria. Collection method: clinical testing. Allele origin: unknown.
Comment: The MUTYH c.-10G>A variant has not been reported in individuals with MUTYH-related conditions in the published literature. The frequency of this variant in the general population (Genome Aggregation Database) is uninformative in the assessment of its pathogenicity. Analysis of this variant using software algorithms for the prediction of the effect of nucleotide changes on splicing yielded predictions that this variant does not affect MUTYH mRNA splicing. Based on the available information, we are unable to determine the clinical significance of this variant.

All of Us Research Program, National Institutes of Health
Classification: Uncertain significance for Familial adenomatous polyposis 2. Last evaluated: 2023-06-26. Review status: criteria provided, single submitter. Criteria: ACMG Guidelines, 2015. Collection method: clinical testing. Allele origin: germline. Inheritance: Autosomal recessive inheritance. Observed: 1 variant allele, 1 heterozygote.
Comment: This variant causes a G to A nucleotide substitution at the -10 position in the 5' untranslated region of the MUTYH gene. To our knowledge, functional studies have not been reported for this variant. This variant has not been reported in individuals affected with MUTYH-related disorders in the literature. This variant has been identified in 1/249060 chromosomes in the general population by the Genome Aggregation Database (gnomAD). The available evidence is insufficient to determine the role of this variant in disease conclusively. Therefore, this variant is classified as a Variant of Uncertain Significance.

This study involves interpretation of variants in research participants for the purpose of population health screening. Participant phenotype was not available at the time of variant classification. Additional details can be found in publication PMID: 35346344, PMCID: PMC8962531